The following is an entry in ClinVar:

ClinVar aggregate classification (germline): Uncertain significance. Review status: criteria provided, multiple submitters, no conflicts (2 of 4 stars). 4 submissions from 4 submitters: Uncertain significance (4). Last evaluated 2021-08-24.

Conditions:
Cardiovascular phenotype. Identifiers: MedGen CN230736.
Autosomal recessive limb-girdle muscular dystrophy type 2J (LGMDR10). Also called: Limb-girdle muscular dystrophy, type 2J; MUSCULAR DYSTROPHY, LIMB-GIRDLE, AUTOSOMAL RECESSIVE 10. Identifiers: Orphanet 140922, MedGen C1837342, MONDO:0012127, OMIM 608807.
Dilated cardiomyopathy 1G (CMD1G). Identifiers: Orphanet 154, MedGen C1858763, MONDO:0011400, OMIM 604145.
Myopathy, myofibrillar, 9, with early respiratory failure (MFM9). Also called: EDSTROM MYOPATHY; MYOPATHY, PROXIMAL, WITH EARLY RESPIRATORY MUSCLE INVOLVEMENT; Hereditary myopathy with early respiratory failure; Myopathy, distal, with early respiratory failure, autosomal dominant. Identifiers: Orphanet 178464, Orphanet 34521, MedGen C1863599, MONDO:0011362, OMIM 603689.
Hypertrophic cardiomyopathy 9. Also called: Familial hypertrophic cardiomyopathy 9. Identifiers: MedGen C1861065, MONDO:0013412, OMIM 613765.
Early-onset myopathy with fatal cardiomyopathy (CMYO5). Also called: Salih Myopathy; CONGENITAL MYOPATHY 5 WITH CARDIOMYOPATHY. Identifiers: Orphanet 289377, MedGen C2673677, MONDO:0012714, OMIM 611705. Disease mechanism: loss of function.
Tibial muscular dystrophy (TMD). Also called: UDD MYOPATHY; Tibial muscular dystrophy, tardive; Udd Distal Myopathy – Tibial Muscular Dystrophy. Identifiers: Orphanet 609, MedGen C1838244, MONDO:0010870, OMIM 600334.

Allele frequency attached by ClinVar (database versions not stated): gnomAD exomes below 0.00001 and 0.00001; gnomAD 0.00001; TOPMed 0.00004.
gnomAD v4.1: 5 of 1,609,944 alleles (0.00031%); highest among the groups gnomAD compares: African/African-American, 0.004%; no homozygotes.

Submissions (4):

Fulgent Genetics
Classification: Uncertain significance for Tibial muscular dystrophy; Myopathy, myofibrillar, 9, with early respiratory failure; Dilated cardiomyopathy 1G; Autosomal recessive limb-girdle muscular dystrophy type 2J; Early-onset myopathy with fatal cardiomyopathy; Hypertrophic cardiomyopathy 9. Last evaluated: 2021-08-24. Review status: criteria provided, single submitter. Criteria: ACMG Guidelines, 2015. Collection method: clinical testing. Allele origin: unknown.

Ambry Genetics
Classification: Uncertain significance for Cardiovascular phenotype. Last evaluated: 2020-07-28. Review status: criteria provided, single submitter. Criteria: Ambry Variant Classification Scheme 2023. Collection method: clinical testing. Allele origin: germline.
Comment: The p.I7718T variant (also known as c.23153T>C), located in coding exon 94 of the TTN gene, results from a T to C substitution at nucleotide position 23153. The isoleucine at codon 7718 is replaced by threonine, an amino acid with similar properties. This amino acid position is well conserved in available vertebrate species. In addition, the in silico prediction for this alteration is inconclusive. Since supporting evidence is limited at this time, the clinical significance of this alteration remains unclear.

Revvity Omics, Revvity
Classification: Uncertain significance. Last evaluated: 2019-06-25. Review status: criteria provided, single submitter. Criteria: ACMG Guidelines, 2015. Collection method: clinical testing. Allele origin: germline.

Labcorp Genetics (formerly Invitae), Labcorp
Classification: Uncertain significance for Dilated cardiomyopathy 1G; Autosomal recessive limb-girdle muscular dystrophy type 2J. Last evaluated: 2017-08-02. Review status: criteria provided, single submitter. Criteria: Invitae Variant Classification Sherloc (09022015). Collection method: clinical testing. Allele origin: germline.

NM_001267550.2(TTN):c.50348T>C (p.Ile16783Thr)

Genes: TTN (titin; minus strand), TTN-AS1 (TTN antisense RNA 1; plus strand). Cytogenetic location: 2q31.2.
Variant type: single nucleotide variant.
Coding change: c.50348T>C on transcript NM_001267550.2 (MANE Select); coding-DNA position 50348, T replaced by C.
Protein change: p.Ile16783Thr; replaces isoleucine 16783 with threonine.
Molecular consequence: missense variant.
Genome position (GRCh38, 1-based): chr2:178,612,063, A>G on the plus strand (T>C on the coding strand, the complement: TTN is on the minus strand). VCF-style: chr2-178612063-A-G. GRCh37 (hg19) VCF-style: chr2-179476790-A-G.
Other names: c.45425T>C, p.Ile15142Thr (NM_001256850.1); c.23153T>C, p.Ile7718Thr (NM_003319.4); c.42644T>C, p.Ile14215Thr (NM_133378.4); c.23528T>C, p.Ile7843Thr (NM_133432.3); c.23729T>C, p.Ile7910Thr (NM_133437.4); short protein forms I16783T, I14215T, I15142T, I7718T, I7910T, I7843T.
Identifiers: ClinVar variation 467223 (VCV000467223.9), dbSNP rs950940404, ClinGen allele CA60986281.